The following is an entry in ClinVar:

ClinVar aggregate classification (germline): Uncertain significance (1 of 4 stars; one submission).

Submission:

Labcorp Genetics (formerly Invitae), Labcorp
Classification: Uncertain significance. Last evaluated: 2021-11-26. Review status: criteria provided, single submitter. Criteria: Invitae Variant Classification Sherloc (09022015). Collection method: clinical testing. Allele origin: germline.
Comment: In summary, the available evidence is currently insufficient to determine the role of this variant in disease. Therefore, it has been classified as a Variant of Uncertain Significance. Algorithms developed to predict the effect of missense changes on protein structure and function are either unavailable or do not agree on the potential impact of this missense change (SIFT: "Tolerated"; PolyPhen-2: "Not Available"; Align-GVGD: "Class C0"). This variant has not been reported in the literature in individuals affected with PTPN23-related conditions. This variant is not present in population databases (gnomAD no frequency). This sequence change replaces glutamine, which is neutral and polar, with glutamic acid, which is acidic and polar, at codon 259 of the PTPN23 protein (p.Gln259Glu).

NM_015466.4(PTPN23):c.775C>G (p.Gln259Glu)

Gene: PTPN23 (protein tyrosine phosphatase non-receptor type 23; plus strand). Cytogenetic location: 3p21.31.
Variant type: single nucleotide variant.
Coding change: c.775C>G on transcript NM_015466.4 (MANE Select); coding-DNA position 775, C replaced by G.
Protein change: p.Gln259Glu; replaces glutamine 259 with glutamic acid.
Molecular consequence: missense variant.
Genome position (GRCh38, 1-based): chr3:47,406,718, C>G. VCF-style: chr3-47406718-C-G. GRCh37 (hg19) VCF-style: chr3-47448208-C-G.
Other names: c.397C>G, p.Gln133Glu (NM_001304482.2); short protein forms Q259E, Q133E.
Identifiers: ClinVar variation 1395088 (VCV001395088.6), dbSNP rs2107715746, ClinGen allele CA352545869.